The following is an entry in ClinVar:

NM_000875.5(IGF1R):c.*1856C>T

Gene: IGF1R (insulin like growth factor 1 receptor; plus strand). Cytogenetic location: 15q26.3.
Variant type: single nucleotide variant.
Coding change: c.*1856C>T on transcript NM_000875.5 (MANE Select); 1856 bases downstream of the stop codon, C replaced by T.
Molecular consequence: 3 prime UTR variant.
Genome position (GRCh38, 1-based): chr15:98,959,298, C>T. VCF-style: chr15-98959298-C-T. GRCh37 (hg19) VCF-style: chr15-99502527-C-T.
Other names: c.*1856C>T (NM_001291858.2).
Identifiers: ClinVar variation 317517 (VCV000317517.6), dbSNP rs1058696, ClinGen allele CA10646749.
Genomic context (GRCh38, chr15:98,959,298, plus strand): 5'-AACCGCAGACACTAGGCATTTGGATTACTATTTTTCTTAATGGCTATTTAATCCTTCCAT[C>T]CCACGAAAAACAGCTGCTGAGTCCAAGGGAGCAGCAGAGCGTGGTCCGGCAGGGCCTGTT-3'

ClinVar aggregate classification (germline): Benign. Review status: criteria provided, multiple submitters, no conflicts (2 of 4 stars). 2 submissions from 2 submitters: Benign (2). Last evaluated 2018-01-13.

Conditions:
Growth delay due to insulin-like growth factor I resistance. Also called: Somatomedin end-organ insensitivity to; Somatomedin-c resistance to; IGF-1 resistance; IGF-I RESISTANCE; Insulin-Like Growth Factor I Resistance. Identifiers: Orphanet 73273, MedGen C1849157, MONDO:0010038, OMIM 270450.

Allele frequency attached by ClinVar (database versions not stated): gnomAD exomes 0.04537; gnomAD 0.05132 and 0.05162; TOPMed 0.05577; 1000 Genomes Project 0.06290; 1000 Genomes Project 30x 0.06668.
gnomAD v4.1: 11,674 of 233,598 alleles (5%); highest among the groups gnomAD compares: Admixed American, 8.2%; 374 homozygotes.

Submissions (2):

Illumina Laboratory Services, Illumina
Classification: Benign for Growth delay due to insulin-like growth factor I resistance. Last evaluated: 2018-01-13. Review status: criteria provided, single submitter. Criteria: ICSL Variant Classification Criteria 13 December 2019. Collection method: clinical testing. Allele origin: germline.
Comment: This variant was observed in the ICSL laboratory as part of a predisposition screen in an ostensibly healthy population. It had not been previously curated by ICSL or reported in the Human Gene Mutation Database (HGMD: prior to June 1st, 2018), and was therefore a candidate for classification through an automated scoring system. Utilizing variant allele frequency, disease prevalence and penetrance estimates, and inheritance mode, an automated score was calculated to assess if this variant is too frequent to cause the disease. Based on the score and internal cut-off values, a variant classified as benign is not then subjected to further curation. The score for this variant resulted in a classification of benign for this disease.

Breakthrough Genomics
Classification: Benign. Review status: criteria provided, single submitter. Criteria: ACMG Guidelines, 2015. Collection method: not provided. Allele origin: germline. Inheritance: Autosomal dominant inheritance. Affected: yes.